The following is an entry in ClinVar:

NM_032578.4(MYPN):c.3628G>A (p.Glu1210Lys)

Gene: MYPN (myopalladin; plus strand). Cytogenetic location: 10q21.3.
Variant type: single nucleotide variant.
Coding change: c.3628G>A on transcript NM_032578.4 (MANE Select); coding-DNA position 3628, G replaced by A.
Protein change: p.Glu1210Lys; replaces glutamic acid 1210 with lysine.
Molecular consequence: missense variant. On other transcripts: non-coding transcript variant (2).
Genome position (GRCh38, 1-based): chr10:68,201,963, G>A. VCF-style: chr10-68201963-G-A. GRCh37 (hg19) VCF-style: chr10-69961720-G-A.
Other names: c.3628G>A, p.Glu1210Lys (NM_001256267.2); c.2746G>A, p.Glu916Lys (NM_001256268.2); c.3628G>A (NM_032578.2); short protein forms E1210K, E916K.
Identifiers: ClinVar variation 1018577 (VCV001018577.9), dbSNP rs779000111, ClinGen allele CA5523105.
Genomic context (GRCh38, chr10:68,201,963, plus strand): 5'-AGACTGGAGTGCCGCGTGATAGGCATGCCCCCACCTGTGTTCTACTGGAAGAAAGACAAT[G>A]AGACCATCCCTTGCACCAGAGAGAGGATCAGGTACAGCAGCCACCACATCCAGAGGGACT-3'
Protein context (NP_115967.2, residues 1200-1220): PPVFYWKKDN[Glu1210Lys]TIPCTRERIS

ClinVar aggregate classification (germline): Uncertain significance. Review status: criteria provided, multiple submitters, no conflicts (2 of 4 stars). 2 submissions from 2 submitters: Uncertain significance (2). Last evaluated 2024-04-15.

Conditions:
Dilated cardiomyopathy 1KK (CMD1KK). Identifiers: Orphanet 154, Orphanet 75249, MedGen C3714995, MONDO:0014100, OMIM 615248.
Cardiovascular phenotype. Identifiers: MedGen CN230736.

Allele frequency attached by ClinVar (database versions not stated): TOPMed below 0.00001; ExAC 0.00002; gnomAD exomes 0.00002 and 0.00003.
gnomAD v4.1: 44 of 1,614,056 alleles (0.0027%); highest among the groups gnomAD compares: South Asian, 0.0099%; no homozygotes.

Submissions (2):

Ambry Genetics
Classification: Uncertain significance for Cardiovascular phenotype. Last evaluated: 2024-04-15. Review status: criteria provided, single submitter. Criteria: Ambry Variant Classification Scheme 2023. Collection method: clinical testing. Allele origin: germline.
Comment: The p.E1210K variant (also known as c.3628G>A), located in coding exon 17 of the MYPN gene, results from a G to A substitution at nucleotide position 3628. The glutamic acid at codon 1210 is replaced by lysine, an amino acid with similar properties. This amino acid position is well conserved in available vertebrate species. In addition, the in silico prediction for this alteration is inconclusive. Based on the available evidence, the clinical significance of this variant remains unclear.

Labcorp Genetics (formerly Invitae), Labcorp
Classification: Uncertain significance for Dilated cardiomyopathy 1KK. Last evaluated: 2023-05-23. Review status: criteria provided, single submitter. Criteria: Invitae Variant Classification Sherloc (09022015). Collection method: clinical testing. Allele origin: germline.
Comment: In summary, the available evidence is currently insufficient to determine the role of this variant in disease. Therefore, it has been classified as a Variant of Uncertain Significance. An algorithm developed to predict the effect of missense changes on protein structure and function (PolyPhen-2) suggests that this variant is likely to be disruptive. ClinVar contains an entry for this variant (Variation ID: 1018577). This variant has not been reported in the literature in individuals affected with MYPN-related conditions. This variant is present in population databases (rs779000111, gnomAD 0.01%). This sequence change replaces glutamic acid, which is acidic and polar, with lysine, which is basic and polar, at codon 1210 of the MYPN protein (p.Glu1210Lys).